The following is an entry in ClinVar:

ClinVar aggregate classification (germline): Uncertain significance (1 of 4 stars; one submission).

Conditions:
Retinitis pigmentosa 12 (RP12). Also called: RP WITH OR WITHOUT PPRPE; RP WITH OR WITHOUT PRESERVED PARAARTERIOLE RETINAL PIGMENT EPITHELIUM; RETINITIS PIGMENTOSA WITH OR WITHOUT PARAARTERIOLAR PRESERVATION OF RETINAL PIGMENT EPITHELIUM. Identifiers: Orphanet 791, MedGen C1838647, MONDO:0010818, OMIM 600105.
Leber congenital amaurosis 8 (LCA8). Identifiers: Orphanet 65, MedGen C3151202, MONDO:0013453, OMIM 613835.

Submission:

Labcorp Genetics (formerly Invitae), Labcorp
Classification: Uncertain significance for Leber congenital amaurosis 8; Retinitis pigmentosa 12. Last evaluated: 2022-03-04. Review status: criteria provided, single submitter. Criteria: Invitae Variant Classification Sherloc (09022015). Collection method: clinical testing. Allele origin: germline.
Comment: In summary, the available evidence is currently insufficient to determine the role of this variant in disease. Therefore, it has been classified as a Variant of Uncertain Significance. Advanced modeling of protein sequence and biophysical properties (such as structural, functional, and spatial information, amino acid conservation, physicochemical variation, residue mobility, and thermodynamic stability) performed at Invitae indicates that this missense variant is not expected to disrupt CRB1 protein function. This variant has not been reported in the literature in individuals affected with CRB1-related conditions. This variant is not present in population databases (gnomAD no frequency). This sequence change replaces arginine, which is basic and polar, with glycine, which is neutral and non-polar, at codon 1383 of the CRB1 protein (p.Arg1383Gly).

NM_201253.3(CRB1):c.4147C>G (p.Arg1383Gly)

Gene: CRB1 (crumbs cell polarity complex component 1; plus strand). Cytogenetic location: 1q31.3.
Variant type: single nucleotide variant.
Coding change: c.4147C>G on transcript NM_201253.3 (MANE Select); coding-DNA position 4147, C replaced by G.
Protein change: p.Arg1383Gly; replaces arginine 1383 with glycine.
Molecular consequence: missense variant. On other transcripts: non-coding transcript variant (2).
Genome position (GRCh38, 1-based): chr1:197,477,805, C>G. VCF-style: chr1-197477805-C-G. GRCh37 (hg19) VCF-style: chr1-197446935-C-G.
Other names: c.3811C>G, p.Arg1271Gly (NM_001193640.2); c.4075C>G, p.Arg1359Gly (NM_001257965.2); c.2539C>G, p.Arg847Gly (NM_001257966.2); short protein forms R847G, R1359G, R1271G, R1383G.
Identifiers: ClinVar variation 2142075 (VCV002142075.4), dbSNP rs1446146858, ClinGen allele CA344035801.